The following is an entry in ClinVar:

ClinVar aggregate classification (germline): Uncertain significance. Review status: criteria provided, multiple submitters, no conflicts (2 of 4 stars). 3 submissions from 3 submitters: Uncertain significance (3). Last evaluated 2025-11-01.

Conditions:
MEGF8-related Carpenter syndrome. Also called: Carpenter syndrome 2. Identifiers: Orphanet 65759, MedGen C3554247, MONDO:0013998, OMIM 614976.

Allele frequency attached by ClinVar (database versions not stated): gnomAD exomes 0.00001 and 0.00002; ExAC 0.00004.
gnomAD v4.1: 19 of 1,533,292 alleles (0.0012%); highest among the groups gnomAD compares: East Asian, 0.017%; no homozygotes.

Submissions (3):

CeGaT Center for Human Genetics Tuebingen
Classification: Uncertain significance. Last evaluated: 2025-11-01. Review status: criteria provided, single submitter. Criteria: CeGaT Center For Human Genetics Tuebingen Variant Classification Criteria Version 2. Collection method: clinical testing. Allele origin: germline. Affected: yes. Observed: 1 variant allele.
Comment: MEGF8: PM2

GeneDx
Classification: Uncertain significance. Last evaluated: 2020-01-30. Review status: criteria provided, single submitter. Criteria: GeneDx Variant Classification Process June 2021. Collection method: clinical testing. Allele origin: germline. Affected: yes.
Comment: In silico analysis supports that this missense variant has a deleterious effect on protein structure/function; Has not been previously published as pathogenic or benign to our knowledge

Labcorp Genetics (formerly Invitae), Labcorp
Classification: Uncertain significance for MEGF8-related Carpenter syndrome. Last evaluated: 2018-12-24. Review status: criteria provided, single submitter. Criteria: Invitae Variant Classification Sherloc (09022015). Collection method: clinical testing. Allele origin: germline.
Comment: In summary, the available evidence is currently insufficient to determine the role of this variant in disease. Therefore, it has been classified as a Variant of Uncertain Significance. Algorithms developed to predict the effect of missense changes on protein structure and function are either unavailable or do not agree on the potential impact of this missense change (SIFT: "Deleterious"; PolyPhen-2: "Probably Damaging"; Align-GVGD: "Class C0"). This variant has not been reported in the literature in individuals with MEGF8-related conditions. This variant is present in population databases (rs747096596, ExAC 0.06%). This sequence change replaces arginine with cysteine at codon 1431 of the MEGF8 protein (p.Arg1431Cys). The arginine residue is moderately conserved and there is a large physicochemical difference between arginine and cysteine.

NM_001271938.2(MEGF8):c.4492C>T (p.Arg1498Cys)

Gene: MEGF8 (multiple EGF like domains 8; plus strand). Cytogenetic location: 19q13.2.
Variant type: single nucleotide variant.
Coding change: c.4492C>T on transcript NM_001271938.2 (MANE Select); coding-DNA position 4492, C replaced by T.
Protein change: p.Arg1498Cys; replaces arginine 1498 with cysteine.
Molecular consequence: missense variant.
Genome position (GRCh38, 1-based): chr19:42,356,182, C>T. VCF-style: chr19-42356182-C-T. GRCh37 (hg19) VCF-style: chr19-42860334-C-T.
Other names: c.4291C>T, p.Arg1431Cys (NM_001410.3); short protein forms R1431C, R1498C.
Identifiers: ClinVar variation 646497 (VCV000646497.16), dbSNP rs747096596, ClinGen allele CA9475284.